The following is an entry in ClinVar:

NM_002202.3(ISL1):c.636G>A (p.Glu212=)

Gene: ISL1 (ISL LIM homeobox 1; plus strand). Cytogenetic location: 5q11.1.
Variant type: single nucleotide variant.
Coding change: c.636G>A on transcript NM_002202.3 (MANE Select); coding-DNA position 636, G replaced by A.
Protein change: p.Glu212=; no amino-acid change (glutamic acid 212 retained).
Molecular consequence: synonymous variant.
Genome position (GRCh38, 1-based): chr5:51,389,803, G>A. VCF-style: chr5-51389803-G-A. GRCh37 (hg19) VCF-style: chr5-50685637-G-A.
Identifiers: ClinVar variation 3031231 (VCV003031231.2), dbSNP rs2546180403, ClinGen allele CA444311209.

ClinVar aggregate classification (germline): Likely benign (0 of 4 stars; one submission).

Conditions:
ISL1-related disorder. Also called: ISL1-related condition.

Submission:

PreventionGenetics, part of Exact Sciences
Classification: Likely benign for ISL1-related condition. Last evaluated: 2023-12-14. Review status: no assertion criteria provided. Collection method: clinical testing. Allele origin: germline.
Comment: This variant is classified as likely benign based on ACMG/AMP sequence variant interpretation guidelines (Richards et al. 2015 PMID: 25741868, with internal and published modifications).